The following is an entry in ClinVar:

ClinVar aggregate classification (germline): Uncertain significance (1 of 4 stars; one submission).

Submission:

Labcorp Genetics (formerly Invitae), Labcorp
Classification: Uncertain significance. Last evaluated: 2025-03-09. Review status: criteria provided, single submitter. Criteria: Invitae Variant Classification Sherloc (09022015). Collection method: clinical testing. Allele origin: germline.
Comment: This sequence change replaces methionine, which is neutral and non-polar, with isoleucine, which is neutral and non-polar, at codon 203 of the CSF2RB protein (p.Met203Ile). This variant is not present in population databases (gnomAD no frequency). This variant has not been reported in the literature in individuals affected with CSF2RB-related conditions. Invitae Evidence Modeling of protein sequence and biophysical properties (such as structural, functional, and spatial information, amino acid conservation, physicochemical variation, residue mobility, and thermodynamic stability) indicates that this missense variant is not expected to disrupt CSF2RB protein function with a negative predictive value of 80%. In summary, the available evidence is currently insufficient to determine the role of this variant in disease. Therefore, it has been classified as a Variant of Uncertain Significance.

NM_000395.3(CSF2RB):c.609G>A (p.Met203Ile)

Gene: CSF2RB (colony stimulating factor 2 receptor subunit beta; plus strand). Cytogenetic location: 22q12.3.
Variant type: single nucleotide variant.
Coding change: c.609G>A on transcript NM_000395.3 (MANE Select); coding-DNA position 609, G replaced by A.
Protein change: p.Met203Ile; replaces methionine 203 with isoleucine.
Molecular consequence: missense variant.
Genome position (GRCh38, 1-based): chr22:36,929,698, G>A. VCF-style: chr22-36929698-G-A. GRCh37 (hg19) VCF-style: chr22-37325740-G-A.
Other names: c.609G>A, p.Met203Ile (NM_001410827.1); short protein forms M203I.
Identifiers: ClinVar variation 4746848 (VCV004746848.1).